The following is an entry in ClinVar:

ClinVar aggregate classification (germline): Uncertain significance (1 of 4 stars; one submission).

gnomAD v4.1: 3 of 1,210,823 alleles (0.00025%); highest among the groups gnomAD compares: African/African-American, 0.0017%; no homozygotes.

Submission:

CeGaT Center for Human Genetics Tuebingen
Classification: Uncertain significance. Last evaluated: 2025-01-01. Review status: criteria provided, single submitter. Criteria: CeGaT Center For Human Genetics Tuebingen Variant Classification Criteria Version 2. Collection method: clinical testing. Allele origin: germline. Affected: yes. Observed: 1 variant allele.
Comment: HCFC1: PM2

NM_005334.3(HCFC1):c.4459G>A (p.Val1487Met)

Genes: HCFC1 (host cell factor C1; minus strand), LOC130068842 (ATAC-STARR-seq lymphoblastoid active region 30044; plus strand). Cytogenetic location: Xq28.
Variant type: single nucleotide variant.
Coding change: c.4459G>A on transcript NM_005334.3 (MANE Select); coding-DNA position 4459, G replaced by A.
Protein change: p.Val1487Met; replaces valine 1487 with methionine.
Molecular consequence: missense variant.
Genome position (GRCh38, 1-based): chrX:153,953,645, C>T on the plus strand (G>A on the coding strand, the complement: HCFC1 is on the minus strand). VCF-style: chrX-153953645-C-T. GRCh37 (hg19) VCF-style: chrX-153219096-C-T.
Other names: c.4459G>A, p.Val1487Met (NM_001410705.1); short protein forms V1487M.
Identifiers: ClinVar variation 3772363 (VCV003772363.13).